The following is an entry in ClinVar:

ClinVar aggregate classification (germline): Uncertain significance (1 of 4 stars; one submission).

Conditions:
Ataxia-telangiectasia syndrome (AT). Also called: Cerebello-oculocutaneous telangiectasia; Immunodeficiency with ataxia telangiectasia; Ataxia telangiectasia (A-T); LOUIS-BAR SYNDROME; Ataxia-telangiectasia, complementation group D; AT, COMPLEMENTATION GROUP C. Identifiers: Orphanet 100, MedGen C0004135, MONDO:0008840, OMIM 208900.

Submission:

Labcorp Genetics (formerly Invitae), Labcorp
Classification: Uncertain significance for Ataxia-telangiectasia syndrome. Last evaluated: 2022-07-11. Review status: criteria provided, single submitter. Criteria: Invitae Variant Classification Sherloc (09022015). Collection method: clinical testing. Allele origin: germline.
Comment: In summary, the available evidence is currently insufficient to determine the role of this variant in disease. Therefore, it has been classified as a Variant of Uncertain Significance. Advanced modeling of protein sequence and biophysical properties (such as structural, functional, and spatial information, amino acid conservation, physicochemical variation, residue mobility, and thermodynamic stability) performed at Invitae indicates that this missense variant is not expected to disrupt ATM protein function. This variant has not been reported in the literature in individuals affected with ATM-related conditions. This variant is not present in population databases (gnomAD no frequency). This sequence change replaces glycine, which is neutral and non-polar, with arginine, which is basic and polar, at codon 696 of the ATM protein (p.Gly696Arg).

NM_000051.4(ATM):c.2086G>C (p.Gly696Arg)

Gene: ATM (ATM serine/threonine kinase; plus strand). Cytogenetic location: 11q22.3.
Variant type: single nucleotide variant.
Coding change: c.2086G>C on transcript NM_000051.4 (MANE Select); coding-DNA position 2086, G replaced by C.
Protein change: p.Gly696Arg; replaces glycine 696 with arginine.
Molecular consequence: missense variant.
Genome position (GRCh38, 1-based): chr11:108,254,001, G>C. VCF-style: chr11-108254001-G-C. GRCh37 (hg19) VCF-style: chr11-108124728-G-C.
Other names: c.2086G>C, p.Gly696Arg (NM_001351834.2); short protein forms G696R.
Identifiers: ClinVar variation 2015863 (VCV002015863.4), dbSNP rs879254178, ClinGen allele CA382537606.